The following is an entry in ClinVar:

NM_001038.6(SCNN1A):c.1853G>T (p.Cys618Phe)

Gene: SCNN1A (sodium channel epithelial 1 subunit alpha; minus strand). Cytogenetic location: 12p13.31.
Variant type: single nucleotide variant.
Coding change: c.1853G>T on transcript NM_001038.6 (MANE Select); coding-DNA position 1853, G replaced by T.
Protein change: p.Cys618Phe; replaces cysteine 618 with phenylalanine.
Molecular consequence: missense variant.
Genome position (GRCh38, 1-based): chr12:6,348,030, C>A on the plus strand (G>T on the coding strand, the complement: SCNN1A is on the minus strand). VCF-style: chr12-6348030-C-A. GRCh37 (hg19) VCF-style: chr12-6457196-C-A.
Other names: c.1922G>T, p.Cys641Phe (NM_001159575.2); c.2030G>T, p.Cys677Phe (NM_001159576.2); short protein forms C618F, C677F, C641F.
Identifiers: ClinVar variation 194190 (VCV000194190.24), dbSNP rs3741913, ClinGen allele CA201022.

ClinVar aggregate classification (germline): Benign. Review status: criteria provided, multiple submitters, no conflicts (2 of 4 stars). 9 submissions from 8 submitters: Benign (9). Last evaluated 2026-01-27.

Conditions:
Bronchiectasis with or without elevated sweat chloride 2 (BESC2). Identifiers: Orphanet 60033, MedGen C2751666, MONDO:0013087, OMIM 613021.
Pseudohypoaldosteronism, type IB1, autosomal recessive. Also called: PHA I, AUTOSOMAL RECESSIVE; Autosomal recessive pseudohypoaldosteronism type 1; Pseudohypoaldosteronism, Type I, Autosomal Recessive; Pseudohypoaldosteronism, Type I, Recessive. Identifiers: Orphanet 171876, Orphanet 756, MedGen C5774176, MONDO:0009917, OMIM 264350.

Allele frequency attached by ClinVar (database versions not stated): gnomAD exomes 0.00346 and 0.00706; ExAC 0.01442; gnomAD 0.02785 and 0.02955; ESP Exome Variant Server 0.03070; TOPMed 0.03150; 1000 Genomes Project 0.03454; 1000 Genomes Project 30x 0.03638.
gnomAD v4.1: 9,450 of 1,603,002 alleles (0.59%); highest among the groups gnomAD compares: African/African-American, 9.4%; 385 homozygotes.

Submissions (10):

Labcorp Genetics (formerly Invitae), Labcorp
Classification: Benign. Last evaluated: 2026-01-27. Review status: criteria provided, single submitter. Criteria: Invitae Variant Classification Sherloc (09022015). Collection method: clinical testing. Allele origin: germline.

Mayo Clinic Laboratories, Mayo Clinic
Classification: Benign. Last evaluated: 2024-01-09. Review status: criteria provided, single submitter. Criteria: ACMG Guidelines, 2015. Collection method: clinical testing. Allele origin: germline. Observed: 2 variant alleles.
Comment: BA1, BS2, BP4

GeneDx
Classification: Benign. Last evaluated: 2019-12-16. Review status: criteria provided, single submitter. Criteria: GeneDx Variant Classification Process June 2021. Collection method: clinical testing. Allele origin: germline. Affected: yes.
Comment: This variant is associated with the following publications: (PMID: 16249274)

Illumina Laboratory Services, Illumina
Classification: Benign for Bronchiectasis with or without elevated sweat chloride 2. Last evaluated: 2017-04-27. Review status: criteria provided, single submitter. Criteria: ICSL Variant Classification Criteria 13 December 2019. Collection method: clinical testing. Allele origin: germline.
Comment: This variant was observed as part of a predisposition screen in an ostensibly healthy population. A literature search was performed for the gene, cDNA change, and amino acid change (where applicable). Publications were found based on this search. The evidence from the literature, in combination with allele frequency data from public databases where available, was sufficient to rule this variant out of causing disease. Therefore, this variant is classified as benign.

Illumina Laboratory Services, Illumina
Classification: Benign for Pseudohypoaldosteronism, type IB1, autosomal recessive. Last evaluated: 2017-04-27. Review status: criteria provided, single submitter. Criteria: ICSL Variant Classification Criteria 13 December 2019. Collection method: clinical testing. Allele origin: germline.
Comment: the same text as in the submission from Illumina Laboratory Services, Illumina above.

Laboratory for Molecular Medicine, Mass General Brigham Personalized Medicine
Classification: Benign. Last evaluated: 2016-02-15. Review status: criteria provided, single submitter. Criteria: LMM Criteria. Collection method: clinical testing. Allele origin: germline. Observed: 3 variant alleles.
Comment: p.Cys677Phe in exon 12 of SCNN1A: This variant is not expected to have clinical significance because it is not located within the splice consensus sequence. It has been identified in 12.4% (695/5600) of African chromosomes, including 28 ho mozygotes by the Exome Aggregation Consortium (ExAC. org; dbSNP rs3741913).

Eurofins Ntd Llc (ga)
Classification: Benign. Last evaluated: 2015-03-05. Review status: criteria provided, single submitter. Criteria: EGL Classification Definitions 2015. Collection method: clinical testing. Allele origin: germline. Observed: 1 variant allele, 1 heterozygote.

Breakthrough Genomics
Classification: Benign. Review status: criteria provided, single submitter. Criteria: ACMG Guidelines, 2015. Collection method: not provided. Allele origin: germline. Inheritance: Autosomal recessive inheritance. Affected: yes.

PreventionGenetics, part of Exact Sciences
Classification: Benign. Review status: criteria provided, single submitter. Criteria: ACMG Guidelines, 2015. Collection method: clinical testing. Allele origin: germline.

Dr. Peter K. Rogan Lab, Western University
No classification provided (evidence only). Condition: Clear cell carcinoma of kidney. Review status: no classification provided. Collection method: in vitro. Allele origin: not applicable. Functional consequence: retained intron. Not counted in ClinVar's aggregate classification.

Literature cited by the submitters: PubMed 11978598 (cited by Illumina Laboratory Services, Illumina); PubMed 16249274 (cited by Illumina Laboratory Services, Illumina); PubMed 10523338 (cited by Illumina Laboratory Services, Illumina).